The following is an entry in ClinVar:

ClinVar aggregate classification (germline): Benign/Likely benign. Review status: criteria provided, multiple submitters, no conflicts (2 of 4 stars). 2 submissions from 2 submitters: Benign (1); Likely benign (1). Last evaluated 2025-12-01.

Allele frequency attached by ClinVar (database versions not stated): gnomAD exomes 0.00020 and 0.00044; ExAC 0.00050; 1000 Genomes Project 0.00160; gnomAD 0.00196 and 0.00206; 1000 Genomes Project 30x 0.00203; ESP Exome Variant Server 0.00208; TOPMed 0.00216.
gnomAD v4.1: 598 of 1,614,194 alleles (0.037%); highest among the groups gnomAD compares: African/African-American, 0.68%; 2 homozygotes.

Submissions (2):

CeGaT Center for Human Genetics Tuebingen
Classification: Likely benign. Last evaluated: 2025-12-01. Review status: criteria provided, single submitter. Criteria: CeGaT Center For Human Genetics Tuebingen Variant Classification Criteria Version 2. Collection method: clinical testing. Allele origin: germline. Affected: yes. Observed: 1 variant allele.
Comment: PLCH1: BP4, BP7

Labcorp Genetics (formerly Invitae), Labcorp
Classification: Benign. Last evaluated: 2018-04-20. Review status: criteria provided, single submitter. Criteria: Invitae Variant Classification Sherloc (09022015). Collection method: clinical testing. Allele origin: germline.

NM_014996.4(PLCH1):c.3840T>C (p.Asp1280=)

Gene: PLCH1 (phospholipase C eta 1; minus strand). Cytogenetic location: 3q25.31.
Variant type: single nucleotide variant.
Coding change: c.3840T>C on transcript NM_014996.4 (MANE Select); coding-DNA position 3840, T replaced by C.
Protein change: p.Asp1280=; no amino-acid change (aspartic acid 1280 retained).
Molecular consequence: synonymous variant. On other transcripts: 3 prime UTR variant (3).
Genome position (GRCh38, 1-based): chr3:155,482,186, A>G on the plus strand (T>C on the coding strand, the complement: PLCH1 is on the minus strand). VCF-style: chr3-155482186-A-G. GRCh37 (hg19) VCF-style: chr3-155199975-A-G.
Other names: c.3864T>C, p.Asp1288= (NM_001130960.2); c.*883T>C (NM_001130961.2); c.*880T>C (NM_001349250.2, NM_001349252.2); c.3837T>C, p.Asp1279= (NM_001349251.2).
Identifiers: ClinVar variation 711902 (VCV000711902.9), dbSNP rs115360115, ClinGen allele CA2676031.